The following is an entry in ClinVar:

ClinVar aggregate classification (germline): Uncertain significance. Review status: criteria provided, multiple submitters, no conflicts (2 of 4 stars). 3 submissions from 3 submitters: Uncertain significance (3). Last evaluated 2025-04-09.

Conditions:
Cardiovascular phenotype. Identifiers: MedGen CN230736.

Allele frequency attached by ClinVar (database versions not stated): gnomAD 0.00003; TOPMed 0.00004; 1000 Genomes Project 30x 0.00016; 1000 Genomes Project 0.00020; ESP Exome Variant Server 0.00023.
gnomAD v4.1: 94 of 1,608,206 alleles (0.0058%); highest among the groups gnomAD compares: South Asian, 0.0078%; no homozygotes.

Submissions (3):

Molecular Diagnostic Laboratory for Inherited Cardiovascular Disease, Montreal Heart Institute
Classification: Uncertain significance for Cardiovascular phenotype. Last evaluated: 2025-04-09. Review status: criteria provided, single submitter. Criteria: ACMG Guidelines, 2015. Collection method: clinical testing. Allele origin: germline. Affected: yes.

Blueprint Genetics
Classification: Uncertain significance. Last evaluated: 2024-06-12. Review status: criteria provided, single submitter. Criteria: ACMG Guidelines, 2015. Collection method: clinical testing. Allele origin: germline.

GeneDx
Classification: Uncertain significance. Last evaluated: 2022-05-31. Review status: criteria provided, single submitter. Criteria: GeneDx Variant Classification Process June 2021. Collection method: clinical testing. Allele origin: germline. Affected: yes.
Comment: In silico analysis supports that this missense variant does not alter protein structure/function; Has not been previously published as pathogenic or benign to our knowledge

NM_198060.4(NRAP):c.2242G>A (p.Gly748Arg)

Gene: NRAP (nebulin related anchoring protein; minus strand). Cytogenetic location: 10q25.3.
Variant type: single nucleotide variant.
Coding change: c.2242G>A on transcript NM_198060.4 (MANE Select); coding-DNA position 2242, G replaced by A.
Protein change: p.Gly748Arg; replaces glycine 748 with arginine.
Molecular consequence: missense variant.
Genome position (GRCh38, 1-based): chr10:113,626,049, C>T on the plus strand (G>A on the coding strand, the complement: NRAP is on the minus strand). VCF-style: chr10-113626049-C-T. GRCh37 (hg19) VCF-style: chr10-115385808-C-T.
Other names: c.2242G>A, p.Gly748Arg (NM_001261463.2, NM_001322945.2); c.2137G>A, p.Gly713Arg (NM_006175.5); c.2242G>A (NM_198060.3); short protein forms G713R, G748R.
Identifiers: ClinVar variation 1802117 (VCV001802117.3), dbSNP rs145550333, ClinGen allele CA5695266.